The following is an entry in ClinVar:

ClinVar aggregate classification (germline): Uncertain significance (1 of 4 stars; one submission).

Conditions:
Autosomal recessive limb-girdle muscular dystrophy type 2T. Also called: MUSCULAR DYSTROPHY-DYSTROGLYCANOPATHY, LIMB-GIRDLE, GMPPB-RELATED; MUSCULAR DYSTROPHY, LIMB-GIRDLE, TYPE 2T; Muscular dystrophy-dystroglycanopathy (limb-girdle), type c, 14; Limb-girdle muscular dystrophy-dystroglycanopathy, type C14. Identifiers: Orphanet 363623, MedGen C4518000, MONDO:0014142, OMIM 615352.
Muscular dystrophy-dystroglycanopathy (congenital with brain and eye anomalies), type A14. Also called: Muscular dystrophy-dystroglycanopathy (congenital with brain and eye anomalies), type a, 14; WALKER-WARBURG SYNDROME OR MUSCLE-EYE-BRAIN DISEASE, GMPPB-RELATED; Congenital Muscular Dystrophy-Dystroglycanopathy with Brain and Eye Anomalies Type A 14; Congenital muscular dystrophy-dystroglycanopathy with brain and eye anomalies, type A14. Identifiers: Orphanet 588, MedGen C3809216, MONDO:0014140, OMIM 615350.
Muscular dystrophy-dystroglycanopathy (congenital with impaired intellectual development), type B, 14. Also called: MUSCULAR DYSTROPHY, CONGENITAL, GMPPB-RELATED; Muscular dystrophy-dystroglycanopathy (congenital with intellectual disability), type B14; Congenital muscular dystrophy-dystroglycanopathy with mental retardation, type B14. Identifiers: MedGen C3809221, MONDO:0014141, OMIM 615351.

Allele frequency attached by ClinVar (database versions not stated): TOPMed 0.00001; ESP Exome Variant Server 0.00008; gnomAD exomes below 0.00001; ExAC 0.00001.

Submission:

Labcorp Genetics (formerly Invitae), Labcorp
Classification: Uncertain significance for Autosomal recessive limb-girdle muscular dystrophy type 2T; Muscular dystrophy-dystroglycanopathy (congenital with brain and eye anomalies), type A14; Muscular dystrophy-dystroglycanopathy (congenital with impaired intellectual development), type B, 14. Last evaluated: 2023-06-29. Review status: criteria provided, single submitter. Criteria: Invitae Variant Classification Sherloc (09022015). Collection method: clinical testing. Allele origin: germline.
Comment: Advanced modeling of protein sequence and biophysical properties (such as structural, functional, and spatial information, amino acid conservation, physicochemical variation, residue mobility, and thermodynamic stability) performed at Invitae indicates that this missense variant is not expected to disrupt GMPPB protein function. This sequence change replaces valine, which is neutral and non-polar, with methionine, which is neutral and non-polar, at codon 111 of the GMPPB protein (p.Val111Met). This variant is present in population databases (rs141201072, gnomAD 0.007%). This missense change has been observed in individual(s) with clinical features of GMPPB-related conditions (Invitae). ClinVar contains an entry for this variant (Variation ID: 474015). In summary, the available evidence is currently insufficient to determine the role of this variant in disease. Therefore, it has been classified as a Variant of Uncertain Significance.

NM_021971.4(GMPPB):c.331G>A (p.Val111Met)

Gene: GMPPB (GDP-mannose pyrophosphorylase B; minus strand). Cytogenetic location: 3p21.31.
Variant type: single nucleotide variant.
Coding change: c.331G>A on transcript NM_021971.4 (MANE Select); coding-DNA position 331, G replaced by A.
Protein change: p.Val111Met; replaces valine 111 with methionine.
Molecular consequence: missense variant.
Genome position (GRCh38, 1-based): chr3:49,723,043, C>T on the plus strand (G>A on the coding strand, the complement: GMPPB is on the minus strand). VCF-style: chr3-49723043-C-T. GRCh37 (hg19) VCF-style: chr3-49760476-C-T.
Other names: c.331G>A, p.Val111Met (NM_013334.4); short protein forms V111M.
Identifiers: ClinVar variation 474015 (VCV000474015.6), dbSNP rs141201072, ClinGen allele CA2405599.